The following is an entry in ClinVar:

ClinVar aggregate classification (germline): Pathogenic (1 of 4 stars; one submission).

Conditions:
Lysinuric protein intolerance (LPI). Identifiers: Orphanet 470, MedGen C0268647, MONDO:0009109, OMIM 222700.

Submission:

Labcorp Genetics (formerly Invitae), Labcorp
Classification: Pathogenic for Lysinuric protein intolerance. Last evaluated: 2023-04-28. Review status: criteria provided, single submitter. Criteria: Invitae Variant Classification Sherloc (09022015). Collection method: clinical testing. Allele origin: germline.
Comment: This variant has not been reported in the literature in individuals affected with SLC7A7-related conditions. This variant is not present in population databases (gnomAD no frequency). This sequence change creates a premature translational stop signal (p.Gly207Alafs*70) in the SLC7A7 gene. It is expected to result in an absent or disrupted protein product. Loss-of-function variants in SLC7A7 are known to be pathogenic (PMID: 10631139, 17764084). For these reasons, this variant has been classified as Pathogenic.

Literature cited by the submitters: PubMed 10631139; PubMed 17764084.

NM_003982.4(SLC7A7):c.616del (p.Gly207fs)

Gene: SLC7A7 (solute carrier family 7 member 7; minus strand). Cytogenetic location: 14q11.2.
Variant type: Deletion.
Coding change: c.616del on transcript NM_003982.4 (MANE Select); coding-DNA position 616, one base deleted (C; older notation c.616delC).
Protein change: p.Gly207fs; shifts the reading frame from glycine 207.
Molecular consequence: frameshift variant.
Genome position (GRCh38, 1-based): chr14:22,779,935, G deleted on the plus strand (C on the coding strand, the reverse complement: SLC7A7 is on the minus strand). VCF-style (leftmost placement, unchanged base first): chr14-22779934-AG-A. GRCh37 (hg19) VCF-style: chr14-23249143-AG-A.
Other names: c.616del, p.Gly207fs (NM_001126105.3, NM_001126106.4); short protein forms G207fs.
Identifiers: ClinVar variation 2860078 (VCV002860078.3), dbSNP rs2501863593, ClinGen allele CA2739277800.